The following is an entry in ClinVar:

ClinVar aggregate classification (germline): Uncertain significance. Review status: criteria provided, multiple submitters, no conflicts (2 of 4 stars). 5 submissions from 5 submitters: Uncertain significance (5). Last evaluated 2025-06-06.

Conditions:
Inborn genetic diseases. Identifiers: MedGen C0950123, MeSH D030342.
Retinitis pigmentosa (RP). Identifiers: Orphanet 791, MedGen C0035334, MeSH D012174, MONDO:0019200, OMIM 268000. Inheritance: Autosomal dominant, autosomal recessive and X linked inheritance.
Retinitis pigmentosa 36 (RP36). Identifiers: Orphanet 791, MedGen C1864621, MONDO:0012523, OMIM 610599.

Allele frequency attached by ClinVar (database versions not stated): TOPMed 0.00011; gnomAD 0.00012 and 0.00013; gnomAD exomes 0.00012 and 0.00025; 1000 Genomes Project 30x 0.00016; ExAC 0.00021; ESP Exome Variant Server 0.00024.
gnomAD v4.1: 368 of 1,603,570 alleles (0.023%); highest among the groups gnomAD compares: Non-Finnish European, 0.031%; no homozygotes.

Submissions (5):

Ambry Genetics
Classification: Uncertain significance for Inborn genetic diseases. Last evaluated: 2025-06-06. Review status: criteria provided, single submitter. Criteria: Ambry Variant Classification Scheme 2023. Collection method: clinical testing. Allele origin: germline.

Labcorp Genetics (formerly Invitae), Labcorp
Classification: Uncertain significance. Last evaluated: 2024-11-02. Review status: criteria provided, single submitter. Criteria: Invitae Variant Classification Sherloc (09022015). Collection method: clinical testing. Allele origin: germline.
Comment: This sequence change replaces leucine, which is neutral and non-polar, with valine, which is neutral and non-polar, at codon 5 of the PRCD protein (p.Leu5Val). This variant is present in population databases (rs200954045, gnomAD 0.03%). This variant has not been reported in the literature in individuals affected with PRCD-related conditions. ClinVar contains an entry for this variant (Variation ID: 891110). An algorithm developed to predict the effect of missense changes on protein structure and function (PolyPhen-2) suggests that this variant is likely to be disruptive. In summary, the available evidence is currently insufficient to determine the role of this variant in disease. Therefore, it has been classified as a Variant of Uncertain Significance.

Blueprint Genetics
Classification: Uncertain significance. Last evaluated: 2023-11-30. Review status: criteria provided, single submitter. Criteria: ACMG Guidelines, 2015. Collection method: clinical testing. Allele origin: germline.

Department of Pathology and Laboratory Medicine, Sinai Health System
Classification: Uncertain significance for Retinitis pigmentosa 36. Last evaluated: 2022-11-08. Review status: criteria provided, single submitter. Criteria: ACMG Guidelines, 2015. Collection method: research. Allele origin: germline.

Illumina Laboratory Services, Illumina
Classification: Uncertain significance for Retinitis pigmentosa. Last evaluated: 2018-01-13. Review status: criteria provided, single submitter. Criteria: ICSL Variant Classification Criteria 13 December 2019. Collection method: clinical testing. Allele origin: germline.

NM_001077620.3(PRCD):c.13C>G (p.Leu5Val)

Genes: CYGB (cytoglobin; minus strand), PRCD (photoreceptor disc component; plus strand). Cytogenetic location: 17q25.1.
Variant type: single nucleotide variant.
Coding change: c.13C>G on transcript NM_001077620.3 (MANE Select); coding-DNA position 13, C replaced by G.
Protein change: p.Leu5Val; replaces leucine 5 with valine.
Molecular consequence: missense variant.
Genome position (GRCh38, 1-based): chr17:76,540,154, C>G. VCF-style: chr17-76540154-C-G. GRCh37 (hg19) VCF-style: chr17-74536236-C-G.
Other names: short protein forms L5V.
Identifiers: ClinVar variation 891110 (VCV000891110.12), dbSNP rs200954045, ClinGen allele CA8787802.
Genomic context (GRCh38, chr17:76,540,154, plus strand): 5'-TGTGGCCTTCTGCAGACTTGGCCTGGGAGGGGATGGGGCAGCTGCGCCATGTGCACCACC[C>G]TTTTCCTGCTCAGCACCCTGGCCATGCTCTGGCGCCGCCGATTTGCCAACCGAGTCCAAC-3'
Protein context (NP_001071088.1, residues 1-15): MCTT[Leu5Val]FLLSTLAMLW